The following is an entry in ClinVar:

ClinVar aggregate classification (germline): Conflicting classifications of pathogenicity. Review status: criteria provided, conflicting classifications (1 of 4 stars). 2 submissions from 2 submitters: Uncertain significance (1); Likely benign (1). Last evaluated 2025-11-05.

Conditions:
Long QT syndrome (LQTS). Identifiers: MedGen C0023976, MeSH D008133, MONDO:0002442. Disease mechanism: loss of function. Inheritance: Various modes of inheritance.
Cardiovascular phenotype. Identifiers: MedGen CN230736.

Allele frequency attached by ClinVar (database versions not stated): TOPMed 0.00004; gnomAD 0.00005.
gnomAD v4.1: 26 of 1,613,728 alleles (0.0016%); highest among the groups gnomAD compares: Admixed American, 0.0067%; no homozygotes.

Submissions (2):

Labcorp Genetics (formerly Invitae), Labcorp
Classification: Uncertain significance for Long QT syndrome. Last evaluated: 2025-11-05. Review status: criteria provided, single submitter. Criteria: Invitae Variant Classification Sherloc (09022015). Collection method: clinical testing. Allele origin: germline.
Comment: This sequence change replaces arginine, which is basic and polar, with tryptophan, which is neutral and slightly polar, at codon 434 of the AKAP9 protein (p.Arg434Trp). This variant is present in population databases (rs771608420, gnomAD 0.004%). This variant has not been reported in the literature in individuals affected with AKAP9-related conditions. ClinVar contains an entry for this variant (Variation ID: 1769396). An algorithm developed to predict the effect of missense changes on protein structure and function (PolyPhen-2) suggests that this variant is likely to be disruptive. In summary, the available evidence is currently insufficient to determine the role of this variant in disease. Therefore, it has been classified as a Variant of Uncertain Significance.

Ambry Genetics
Classification: Likely benign for Cardiovascular phenotype. Last evaluated: 2025-09-15. Review status: criteria provided, single submitter. Criteria: Ambry Variant Classification Scheme 2023. Collection method: clinical testing. Allele origin: germline.

Literature cited by the submitters: PubMed 29688227 (cited by Ambry Genetics).

NM_005751.5(AKAP9):c.1300C>T (p.Arg434Trp)

Gene: AKAP9 (A-kinase anchoring protein 9; plus strand). Cytogenetic location: 7q21.2.
Variant type: single nucleotide variant.
Coding change: c.1300C>T on transcript NM_005751.5 (MANE Select); coding-DNA position 1300, C replaced by T.
Protein change: p.Arg434Trp; replaces arginine 434 with tryptophan.
Molecular consequence: missense variant.
Genome position (GRCh38, 1-based): chr7:92,001,217, C>T. VCF-style: chr7-92001217-C-T. GRCh37 (hg19) VCF-style: chr7-91630531-C-T.
Other names: c.1300C>T, p.Arg434Trp (NM_147185.3); short protein forms R434W.
Identifiers: ClinVar variation 1769396 (VCV001769396.9), dbSNP rs771608420, ClinGen allele CA4335997.
Genomic context (GRCh38, chr7:92,001,217, plus strand): 5'-TTCGAAACTGATATAGTACAACGAATGGAACAAGAAACACAAAGAAAGTTAGAACAACTC[C>T]GGGCAGAGCTGGATGAGATGTATGGGCAGCAGATAGTGCAAATGAAACAAGAATTAATAA-3'
Protein context (NP_005742.4, residues 424-444): QETQRKLEQL[Arg434Trp]AELDEMYGQQ